The following is an entry in ClinVar:

NM_004187.5(KDM5C):c.1866+6T>C

Gene: KDM5C (lysine demethylase 5C; minus strand). Cytogenetic location: Xp11.22.
Variant type: single nucleotide variant.
Coding change: c.1866+6T>C on transcript NM_004187.5 (MANE Select); 6 bases into the intron after coding-DNA position 1866, T replaced by C.
Molecular consequence: intron variant.
Genome position (GRCh38, 1-based): chrX:53,201,848, A>G on the plus strand (T>C on the coding strand, the complement: KDM5C is on the minus strand). VCF-style: chrX-53201848-A-G. GRCh37 (hg19) VCF-style: chrX-53231030-A-G.
Other names: c.1863+6T>C (NM_001353982.2, NM_001353979.2, NM_001282622.3); c.1866+6T>C (NM_001353981.2, NM_001353984.2, NM_001353978.3); c.1665+6T>C (NM_001146702.2).
Identifiers: ClinVar variation 2633803 (VCV002633803.1), dbSNP rs2519441474, ClinGen allele CA2695200212.

ClinVar aggregate classification (germline): Uncertain significance (1 of 4 stars; one submission).

Conditions:
KDM5C-related disorder. Also called: KDM5C-related condition.

Submission:

PreventionGenetics, part of Exact Sciences
Classification: Uncertain significance for KDM5C-related condition. Last evaluated: 2023-03-13. Review status: criteria provided, single submitter. Criteria: ACMG Guidelines, 2015. Collection method: clinical testing. Allele origin: germline.
Comment: The KDM5C c.1866+6T>C variant is predicted to interfere with splicing. To our knowledge, this variant has not been reported in the literature or in a large population database, indicating this variant is rare. At this time, the clinical significance of this variant is uncertain due to the absence of conclusive functional and genetic evidence.